The following is an entry in ClinVar:

NM_000940.3(PON3):c.609T>C (p.Tyr203=)

Gene: PON3 (paraoxonase 3; minus strand). Cytogenetic location: 7q21.3.
Variant type: single nucleotide variant.
Coding change: c.609T>C on transcript NM_000940.3 (MANE Select); coding-DNA position 609, T replaced by C.
Protein change: p.Tyr203=; no amino-acid change (tyrosine 203 retained).
Molecular consequence: synonymous variant.
Genome position (GRCh38, 1-based): chr7:95,363,949, A>G on the plus strand (T>C on the coding strand, the complement: PON3 is on the minus strand). VCF-style: chr7-95363949-A-G. GRCh37 (hg19) VCF-style: chr7-94993261-A-G.
Identifiers: ClinVar variation 777175 (VCV000777175.29), dbSNP rs17880470, ClinGen allele CA4350623.

ClinVar aggregate classification (germline): Benign/Likely benign. Review status: criteria provided, multiple submitters, no conflicts (2 of 4 stars). 3 submissions from 3 submitters: Benign (2); Likely benign (1). Last evaluated 2026-03-01.

Allele frequency attached by ClinVar (database versions not stated): 1000 Genomes Project 30x 0.00125; 1000 Genomes Project 0.00140; gnomAD 0.00351 and 0.00352; TOPMed 0.00380; ExAC 0.00410; ESP Exome Variant Server 0.00431.
gnomAD v4.1: 8,352 of 1,613,914 alleles (0.52%); highest among the groups gnomAD compares: Non-Finnish European, 0.65%; 31 homozygotes.

Submissions (3):

CeGaT Center for Human Genetics Tuebingen
Classification: Likely benign. Last evaluated: 2026-03-01. Review status: criteria provided, single submitter. Criteria: CeGaT Center For Human Genetics Tuebingen Variant Classification Criteria Version 2. Collection method: clinical testing. Allele origin: germline. Affected: yes. Observed: 3 variant alleles.
Comment: PON3: BP4, BP7, BS2

Labcorp Genetics (formerly Invitae), Labcorp
Classification: Benign. Last evaluated: 2019-12-31. Review status: criteria provided, single submitter. Criteria: Invitae Variant Classification Sherloc (09022015). Collection method: clinical testing. Allele origin: germline.

Breakthrough Genomics
Classification: Benign. Review status: criteria provided, single submitter. Criteria: ACMG Guidelines, 2015. Collection method: not provided. Allele origin: germline. Inheritance: Unknown mechanism. Affected: yes.